The following is an entry in ClinVar:

NM_014946.4(SPAST):c.1728+2T>C

Gene: SPAST (spastin; plus strand). Cytogenetic location: 2p22.3.
Variant type: single nucleotide variant.
Coding change: c.1728+2T>C on transcript NM_014946.4 (MANE Select); the canonical splice donor site of the intron after coding-DNA position 1728, T replaced by C.
Molecular consequence: splice donor variant.
Genome position (GRCh38, 1-based): chr2:32,147,260, T>C. VCF-style: chr2-32147260-T-C. GRCh37 (hg19) VCF-style: chr2-32372329-T-C.
Other names: c.1632+2T>C (NM_199436.2); c.*1+2T>C (NM_001377959.1); c.1725+2T>C (NM_001363823.2); c.1629+2T>C (NM_001363875.2).
Identifiers: ClinVar variation 3720315 (VCV003720315.2).

ClinVar aggregate classification (germline): Pathogenic (1 of 4 stars; one submission).

Conditions:
Hereditary spastic paraplegia 4. Also called: Spastic paraplegia 4, autosomal dominant; Spastic Paraplegia 4; Familial spastic paraplegia autosomal dominant 2. Identifiers: Orphanet 100985, MedGen C1866855, MONDO:0008438, OMIM 182601.

Submission:

Labcorp Genetics (formerly Invitae), Labcorp
Classification: Pathogenic for Hereditary spastic paraplegia 4. Last evaluated: 2024-03-07. Review status: criteria provided, single submitter. Criteria: Invitae Variant Classification Sherloc (09022015). Collection method: clinical testing. Allele origin: germline.
Comment: This sequence change affects a donor splice site in intron 16 of the SPAST gene. While this variant is not anticipated to result in nonsense mediated decay, it likely alters RNA splicing and results in a disrupted protein product. This variant is not present in population databases (gnomAD no frequency). Disruption of this splice site has been observed in individuals with hereditary spastic paraplegia (PMID: 12552568, 26208798, 28572275). Variants that disrupt the consensus splice site are a relatively common cause of aberrant splicing (PMID: 17576681, 9536098). Algorithms developed to predict the effect of sequence changes on RNA splicing suggest that this variant may disrupt the consensus splice site. For these reasons, this variant has been classified as Pathogenic.

Literature cited by the submitters: PubMed 12552568; PubMed 26208798; PubMed 28572275; PubMed 17576681; PubMed 9536098.